The following is an entry in ClinVar:

NM_012106.4(ARL2BP):c.80A>G (p.Tyr27Cys)

Gene: ARL2BP (ARF like GTPase 2 binding protein; plus strand). Cytogenetic location: 16q13.
Variant type: single nucleotide variant.
Coding change: c.80A>G on transcript NM_012106.4 (MANE Select); coding-DNA position 80, A replaced by G.
Protein change: p.Tyr27Cys; replaces tyrosine 27 with cysteine.
Molecular consequence: missense variant.
Genome position (GRCh38, 1-based): chr16:57,246,121, A>G. VCF-style: chr16-57246121-A-G. GRCh37 (hg19) VCF-style: chr16-57280033-A-G.
Other names: short protein forms Y27C.
Identifiers: ClinVar variation 1714536 (VCV001714536.5), dbSNP rs2545930779, ClinGen allele CA396021295.

ClinVar aggregate classification (germline): Uncertain significance (1 of 4 stars; one submission).

Submission:

Labcorp Genetics (formerly Invitae), Labcorp
Classification: Uncertain significance. Last evaluated: 2022-07-30. Review status: criteria provided, single submitter. Criteria: Invitae Variant Classification Sherloc (09022015). Collection method: clinical testing. Allele origin: germline.
Comment: In summary, the available evidence is currently insufficient to determine the role of this variant in disease. Therefore, it has been classified as a Variant of Uncertain Significance. This sequence change replaces tyrosine, which is neutral and polar, with cysteine, which is neutral and slightly polar, at codon 27 of the ARL2BP protein (p.Tyr27Cys). This variant is not present in population databases (gnomAD no frequency). This variant has not been reported in the literature in individuals affected with ARL2BP-related conditions. Algorithms developed to predict the effect of missense changes on protein structure and function output the following: SIFT: "Tolerated"; PolyPhen-2: "Benign"; Align-GVGD: "Class C0". The cysteine amino acid residue is found in multiple mammalian species, which suggests that this missense change does not adversely affect protein function.